The following is an entry in ClinVar:

NM_001114753.3(ENG):c.523+296_578del

Gene: ENG (endoglin; minus strand). Cytogenetic location: 9q34.11.
Variant type: Deletion.
Coding change: c.523+296_578del on transcript NM_001114753.3 (MANE Select); 296 bases into the intron after coding-DNA position 523 through coding-DNA position 578, 409 bases deleted.
Molecular consequence: splice acceptor variant. On other transcripts: initiator codon variant (1).
Genome position (GRCh38, 1-based): chr9:127,825,806-127,826,214, 409 bases deleted. GRCh37 (hg19): chr9:130,588,088-130,588,496.
Other names: c.523+296_578del (NM_000118.4, NM_001406715.1); c.-24+296_32del (NM_001278138.2).
Identifiers: ClinVar variation 4713623 (VCV004713623.1).

ClinVar aggregate classification (germline): Pathogenic (1 of 4 stars; one submission).

Conditions:
Hereditary hemorrhagic telangiectasia (HHT). Also called: ORW DISEASE; Osler Weber Rendu syndrome; OSLER-RENDU-WEBER DISEASE; Osler hemorrhagic telangiectasia syndrome. Identifiers: Orphanet 774, MedGen C0039445, MONDO:0019180. Disease mechanism: loss of function.

Submission:

Labcorp Genetics (formerly Invitae), Labcorp
Classification: Pathogenic for Hereditary hemorrhagic telangiectasia. Last evaluated: 2025-04-22. Review status: criteria provided, single submitter. Criteria: Invitae Variant Classification Sherloc (09022015). Collection method: clinical testing. Allele origin: germline.
Comment: This variant results in the deletion of part of exon 5 (c.523+296_578del) of the ENG gene. It is expected to disrupt RNA splicing. Variants that disrupt the donor or acceptor splice site typically lead to a loss of protein function (PMID: 16199547), and loss-of-function variants in ENG are known to be pathogenic (PMID: 15879500). This variant is not present in population databases (gnomAD no frequency). This variant has not been reported in the literature in individuals affected with ENG-related conditions. This variant disrupts a region of the ENG protein in which other variant(s) (p.Met190Lys) have been determined to be pathogenic (internal data). This suggests that this is a clinically significant region of the protein, and that variants that disrupt it are likely to be disease-causing. For these reasons, this variant has been classified as Pathogenic.

Literature cited by the submitters: PubMed 16199547; PubMed 15879500.